The following is an entry in ClinVar:

ClinVar aggregate classification (germline): Pathogenic. Review status: criteria provided, multiple submitters, no conflicts (2 of 4 stars). 4 submissions from 4 submitters: Pathogenic (4). Last evaluated 2025-05-14.

Conditions:
Mucopolysaccharidosis, MPS-III-B (MPS3B). Also called: N-ACETYL-ALPHA-D-GLUCOSAMINIDASE DEFICIENCY; NAGLU DEFICIENCY; SANFILIPPO SYNDROME B; MPS III B; MPS IIIB (Sanfilippo Syndrome Type B); MUCOPOLYSACCHARIDOSIS, TYPE IIIB. Identifiers: Orphanet 79270, MedGen C0086648, MONDO:0009656, OMIM 252920.
Charcot-Marie-Tooth disease axonal type 2V. Also called: CHARCOT-MARIE-TOOTH NEUROPATHY, TYPE 2V; CHARCOT-MARIE-TOOTH DISEASE, AXONAL, AUTOSOMAL DOMINANT, TYPE 2V. Identifiers: Orphanet 447964, MedGen C5569050, MONDO:0014665, OMIM 616491.

Allele frequency attached by ClinVar (database versions not stated): gnomAD exomes below 0.00001; gnomAD 0.00001.
gnomAD v4.1: 6 of 1,614,100 alleles (0.00037%); highest among the groups gnomAD compares: South Asian, 0.0022%; no homozygotes.

Submissions (4):

Natera, Inc.
Classification: Pathogenic for Mucopolysaccharidosis type IIIB. Last evaluated: 2025-05-14. Review status: criteria provided, single submitter. Criteria: Natera Variant Classification Schema (03/2026). Collection method: clinical testing. Allele origin: germline.
Comment: The c.607C>T variant in NAGLU is a nonsense variant predicted to introduce a stop codon at amino acid 203. This variant is expected to result in nonsense mediated decay, truncation, or a dysfunctional protein product. This variant is rare in the general population with a frequency below the threshold expected for the associated phenotype(s). This variant has been observed in one or more individuals affected with the associated recessive disease, as either homozygous or compound heterozygous with a second variant (PMID: 34813777). Given the available evidence, this variant is classified as Pathogenic.

Foundation for Research in Genetics and Endocrinology, FRIGE's Institute of Human Genetics
Classification: Pathogenic for Mucopolysaccharidosis, MPS-III-B. Last evaluated: 2025-02-18. Review status: criteria provided, single submitter. Criteria: ACMG Guidelines, 2015. Collection method: clinical testing. Allele origin: germline. Inheritance: Autosomal recessive inheritance. Affected: yes. Observed: 1 homozygote.
Comment: A homozygous nonsense variant c.607C>T (p.Arg203Ter) in exon 3 of the NAGLU gene that results in a stop codon and premature truncation of the protein downstream to codon 203 was detected. This variant has not been reported in the 1000 genomes and has a MAF of 0.0004% in the gnomAD databases. The in-silico prediction of the variant is damaging by MutationTaster2 and DANN. In summary, the variant meets our criteria to be classified as pathogenic.

Fulgent Genetics
Classification: Pathogenic for Mucopolysaccharidosis, MPS-III-B; Charcot-Marie-Tooth disease axonal type 2V. Last evaluated: 2024-01-03. Review status: criteria provided, single submitter. Criteria: ACMG Guidelines, 2015. Collection method: clinical testing. Allele origin: germline.

Labcorp Genetics (formerly Invitae), Labcorp
Classification: Pathogenic for Charcot-Marie-Tooth disease axonal type 2V; Mucopolysaccharidosis, MPS-III-B. Last evaluated: 2022-01-12. Review status: criteria provided, single submitter. Criteria: Invitae Variant Classification Sherloc (09022015). Collection method: clinical testing. Allele origin: germline.
Comment: For these reasons, this variant has been classified as Pathogenic. Algorithms developed to predict the effect of sequence changes on RNA splicing suggest that this variant may create or strengthen a splice site. This premature translational stop signal has been observed in individual(s) with Sanfilippo B syndrome (PMID: 9443878). This variant is present in population databases (no rsID available, gnomAD 0.004%). This sequence change creates a premature translational stop signal (p.Arg203*) in the NAGLU gene. It is expected to result in an absent or disrupted protein product. Loss-of-function variants in NAGLU are known to be pathogenic (PMID: 9832037, 10094189, 16151907).

Literature cited by the submitters: PubMed 34813777 (cited by Natera, Inc.); PubMed 9443878 (cited by Labcorp Genetics (formerly Invitae), Labcorp); PubMed 9832037 (cited by Labcorp Genetics (formerly Invitae), Labcorp); PubMed 10094189 (cited by Labcorp Genetics (formerly Invitae), Labcorp); PubMed 16151907 (cited by Labcorp Genetics (formerly Invitae), Labcorp).

NM_000263.4(NAGLU):c.607C>T (p.Arg203Ter)

Gene: NAGLU (N-acetyl-alpha-glucosaminidase; plus strand). Cytogenetic location: 17q21.2.
Variant type: single nucleotide variant.
Coding change: c.607C>T on transcript NM_000263.4 (MANE Select); coding-DNA position 607, C replaced by T.
Protein change: p.Arg203Ter; replaces arginine 203 with a stop codon.
Molecular consequence: nonsense.
Genome position (GRCh38, 1-based): chr17:42,538,414, C>T. VCF-style: chr17-42538414-C-T. GRCh37 (hg19) VCF-style: chr17-40690432-C-T.
Other names: p.Arg203Ter; c.607C>T (NM_000263.3); short protein forms R203*.
Identifiers: ClinVar variation 1454495 (VCV001454495.12), dbSNP rs1279412522, ClinGen allele CA399598523.